The following is an entry in ClinVar:

ClinVar aggregate classification (germline): Pathogenic (1 of 4 stars; one submission).

Conditions:
Fanconi anemia (FA). Also called: Fanconi's anemia. Identifiers: Orphanet 84, MedGen C0015625, MeSH D005199, MONDO:0019391.

Submission:

Labcorp Genetics (formerly Invitae), Labcorp
Classification: Pathogenic for Fanconi anemia. Last evaluated: 2023-02-25. Review status: criteria provided, single submitter. Criteria: Invitae Variant Classification Sherloc (09022015). Collection method: clinical testing. Allele origin: germline.
Comment: For these reasons, this variant has been classified as Pathogenic. This sequence change creates a premature translational stop signal (p.Glu215Thrfs*2) in the FANCL gene. It is expected to result in an absent or disrupted protein product. Loss-of-function variants in FANCL are known to be pathogenic (PMID: 19405097, 23613520). This variant is not present in population databases (gnomAD no frequency). This variant has not been reported in the literature in individuals affected with FANCL-related conditions.

Literature cited by the submitters: PubMed 19405097; PubMed 23613520.

NM_018062.4(FANCL):c.639_642dup (p.Glu215delinsThrTer)

Gene: FANCL (FA complementation group L; minus strand). Cytogenetic location: 2p16.1.
Variant type: Duplication.
Coding change: c.639_642dup on transcript NM_018062.4 (MANE Select); coding-DNA positions 639 to 642, 4 bases duplicated (ACTT; older notation c.639_642dupACTT).
Protein change: p.Glu215delinsThrTer.
Molecular consequence: nonsense. On other transcripts: frameshift variant (1).
Genome position (GRCh38, 1-based): chr2:58,165,773-58,165,776, AAGT duplicated on the plus strand (ACTT on the coding strand, the reverse complement: FANCL is on the minus strand); duplicating any 4 consecutive bases within chr2:58,165,773-58,165,777 gives the same sequence; the c. name uses the placement nearest the transcript's 3' end. VCF-style (leftmost placement, unchanged base first): chr2-58165772-C-CAAGT. GRCh37 (hg19) VCF-style: chr2-58392907-C-CAAGT.
Other names: c.653_656dup, p.Glu220Thrfs (NM_001114636.2); c.684_687dup, p.Glu230delinsThrTer (NM_001374615.1); c.699_702dup, p.Glu235delinsThrTer (NM_001410792.1).
Identifiers: ClinVar variation 2840749 (VCV002840749.3), dbSNP rs2466654822, ClinGen allele CA2739274476.